The following is an entry in ClinVar:

NM_006393.3(NEBL):c.1510_1513del (p.Asp504fs)

Gene: NEBL (nebulette; minus strand). Cytogenetic location: 10p12.31.
Variant type: Deletion.
Coding change: c.1510_1513del on transcript NM_006393.3 (MANE Select); coding-DNA positions 1510 to 1513, 4 bases deleted (GACA; older notation c.1510_1513delGACA).
Protein change: p.Asp504fs; shifts the reading frame from aspartic acid 504.
Molecular consequence: frameshift variant. On other transcripts: intron variant (9).
Genome position (GRCh38, 1-based): chr10:20,831,520-20,831,523, TGTC deleted on the plus strand (GACA on the coding strand, the reverse complement: NEBL is on the minus strand); deleting any 4 consecutive bases within chr10:20,831,520-20,831,526 gives the same sequence; the c. name uses the placement nearest the transcript's 3' end. VCF-style (leftmost placement, unchanged base first): chr10-20831519-GTGTC-G. GRCh37 (hg19) VCF-style: chr10-21120448-GTGTC-G.
Other names: c.250-18583_250-18580del (NM_001377326.1, NM_001377327.1, NM_001377328.1); c.358-18583_358-18580del (NM_213569.2, NM_001173484.2, NM_001377322.1); c.301-18583_301-18580del (NM_001377324.1); c.292-18583_292-18580del (NM_001377325.1); c.310-18583_310-18580del (NM_001377323.1); short protein forms D504fs.
Identifiers: ClinVar variation 1023686 (VCV001023686.7), dbSNP rs745728544, ClinGen allele CA5432842.

ClinVar aggregate classification (germline): Uncertain significance (1 of 4 stars; one submission).

Conditions:
Primary dilated cardiomyopathy (DCM). Also called: Dilated Cardiomyopathy. Identifiers: Orphanet 217604, MedGen C0007193, MeSH D002311, MONDO:0005021, HP:0001644. Inheritance: Various modes of inheritance.

Submission:

Labcorp Genetics (formerly Invitae), Labcorp
Classification: Uncertain significance for Primary dilated cardiomyopathy. Last evaluated: 2020-08-22. Review status: criteria provided, single submitter. Criteria: Invitae Variant Classification Sherloc (09022015). Collection method: clinical testing. Allele origin: germline.
Comment: In summary, the available evidence is currently insufficient to determine the role of this variant in disease. Therefore, it has been classified as a Variant of Uncertain Significance. The current clinical and genetic evidence is not sufficient to establish whether loss-of-function variants in NEBL cause disease. This variant has not been reported in the literature in individuals with NEBL-related conditions. This variant is present in population databases (rs745728544, ExAC 0.001%). This sequence change creates a premature translational stop signal (p.Asp504Leufs*23) in the NEBL gene. It is expected to result in an absent or disrupted protein product.